The following is an entry in ClinVar:

ClinVar aggregate classification (germline): Uncertain significance (1 of 4 stars; one submission).

Conditions:
Ullrich congenital muscular dystrophy 2 (UCMD2). Identifiers: Orphanet 75840, MedGen C4225314, MONDO:0014654, OMIM 616470.
Bethlem myopathy 2 (BTHLM2). Identifiers: Orphanet 536516, Orphanet 610, MedGen C4225313, MONDO:0034022, OMIM 616471.

Submission:

Labcorp Genetics (formerly Invitae), Labcorp
Classification: Uncertain significance for Bethlem myopathy 2; Ullrich congenital muscular dystrophy 2. Last evaluated: 2021-09-09. Review status: criteria provided, single submitter. Criteria: Invitae Variant Classification Sherloc (09022015). Collection method: clinical testing. Allele origin: germline.
Comment: In summary, the available evidence is currently insufficient to determine the role of this variant in disease. Therefore, it has been classified as a Variant of Uncertain Significance. Algorithms developed to predict the effect of missense changes on protein structure and function are either unavailable or do not agree on the potential impact of this missense change (SIFT: "Deleterious"; PolyPhen-2: "Probably Damaging"; Align-GVGD: "Class C0"). This variant has not been reported in the literature in individuals affected with COL12A1-related conditions. This variant is not present in population databases (ExAC no frequency). This sequence change replaces serine with phenylalanine at codon 1096 of the COL12A1 protein (p.Ser1096Phe). The serine residue is highly conserved and there is a large physicochemical difference between serine and phenylalanine.

NM_004370.6(COL12A1):c.3287C>T (p.Ser1096Phe)

Gene: COL12A1 (collagen type XII alpha 1 chain; minus strand). Cytogenetic location: 6q13.
Variant type: single nucleotide variant.
Coding change: c.3287C>T on transcript NM_004370.6 (MANE Select); coding-DNA position 3287, C replaced by T.
Protein change: p.Ser1096Phe; replaces serine 1096 with phenylalanine.
Molecular consequence: missense variant. On other transcripts: intron variant (1).
Genome position (GRCh38, 1-based): chr6:75,155,818, G>A on the plus strand (C>T on the coding strand, the complement: COL12A1 is on the minus strand). VCF-style: chr6-75155818-G-A. GRCh37 (hg19) VCF-style: chr6-75865534-G-A.
Other names: c.74-3336C>T (NM_080645.3); short protein forms S1096F.
Identifiers: ClinVar variation 1380230 (VCV001380230.6), dbSNP rs2149423302, ClinGen allele CA364752933.
Genomic context (GRCh38, chr6:75,155,818, plus strand): 5'-CCCTTCACTTCCCCAGGGGCAGGCTCCCAAGTCACTCGGAAGCTTGACATGGTTGGGTCA[G>A]ATGTTTTGAGGTTTCTAGGAGACTTAAACCGAGAAGCTGTAAAGACAAAAAGATTTTTAA-3'
Protein context (NP_004361.3, residues 1086-1106): RFKSPRNLKT[Ser1096Phe]DPTMSSFRVT